The following is an entry in ClinVar:

ClinVar aggregate classification (germline): Uncertain significance (1 of 4 stars; one submission).

Conditions:
Anemia, congenital dyserythropoietic, type IVa. Also called: Congenital dyserythropoietic anemia, type IV; Congenital dyserythropoietic anemia type 4; CDA, TYPE IVa. Identifiers: Orphanet 293825, MedGen C3150926, MONDO:0013355, OMIM 613673.

Allele frequency attached by ClinVar (database versions not stated): gnomAD exomes below 0.00001.

Submission:

Neuberg Centre For Genomic Medicine, NCGM
Classification: Uncertain significance for Anemia, congenital dyserythropoietic, type IVa. Review status: criteria provided, single submitter. Criteria: ACMG Guidelines, 2015. Collection method: clinical testing. Allele origin: germline. Inheritance: Autosomal dominant inheritance. Affected: yes.
Comment: The observed missense variant c.587C>T (p.Pro196Leu) in KLF1 gene has not been reported previously as a pathogenic variant nor as a benign variant, to our knowledge. The p.Pro196Leu variant is absent in gnomAD Exomes databases. This variant has not been submitted to the ClinVar database. The amino acid change p.Pro196Leu in KLF1 is predicted as conserved by GERP++ and PhyloP across 100 vertebrates. Multiple lines of computational evidence suggests that this missense change will disrupt protein structure and function. The amino acid Pro at position 196 is changed to a Leu changing protein sequence and it might alter its composition and physico-chemical properties. For these reasons, this variant has been classified as a Variant of Uncertain Significance (VUS).

NM_006563.5(KLF1):c.587C>T (p.Pro196Leu)

Genes: KLF1 (KLF transcription factor 1; minus strand), LOC130063673 (ATAC-STARR-seq lymphoblastoid silent region 10180; plus strand). Cytogenetic location: 19p13.13.
Variant type: single nucleotide variant.
Coding change: c.587C>T on transcript NM_006563.5 (MANE Select); coding-DNA position 587, C replaced by T.
Protein change: p.Pro196Leu; replaces proline 196 with leucine.
Molecular consequence: missense variant.
Genome position (GRCh38, 1-based): chr19:12,885,643, G>A on the plus strand (C>T on the coding strand, the complement: KLF1 is on the minus strand). VCF-style: chr19-12885643-G-A. GRCh37 (hg19) VCF-style: chr19-12996457-G-A.
Other names: short protein forms P196L.
Identifiers: ClinVar variation 3242138 (VCV003242138.1), dbSNP rs2512555715.